The following is an entry in ClinVar:

ClinVar aggregate classification (germline): Pathogenic (1 of 4 stars; one submission).

Conditions:
Hereditary cancer-predisposing syndrome. Also called: Neoplastic Syndromes, Hereditary; Tumor predisposition; Hereditary Cancer Syndrome; Hereditary neoplastic syndrome. Identifiers: Orphanet 140162, MedGen C0027672, MeSH D009386, MONDO:0015356.

Submission:

Ambry Genetics
Classification: Pathogenic for Hereditary cancer-predisposing syndrome. Last evaluated: 2019-09-25. Review status: criteria provided, single submitter. Criteria: Ambry Variant Classification Scheme 2023. Collection method: clinical testing. Allele origin: germline.
Comment: The c.3719_3720insT pathogenic mutation, located in coding exon 8 of the MSH6 gene, results from an insertion of one nucleotide at position 3719, causing a translational frameshift with a predicted alternate stop codon (p.K1240Nfs*35). This alteration is expected to result in loss of function by premature protein truncation or nonsense-mediated mRNA decay. As such, this alteration is interpreted as a disease-causing mutation.

NM_000179.3(MSH6):c.3719_3720insT (p.Lys1240fs)

Gene: MSH6 (mutS homolog 6; plus strand). Cytogenetic location: 2p16.3.
Variant type: Insertion.
Coding change: c.3719_3720insT on transcript NM_000179.3 (MANE Select); coding-DNA positions 3719 to 3720, T inserted.
Protein change: p.Lys1240fs; shifts the reading frame from lysine 1240.
Molecular consequence: frameshift variant.
Genome position: GRCh38 VCF-style: chr2-47806276-A-AT. GRCh37 (hg19) VCF-style: chr2-48033415-A-AT.
Other names: c.3329_3330insT, p.Lys1110fs (NM_001281492.2); c.2813_2814insT, p.Lys938fs (NM_001281493.2, NM_001281494.2); c.3815_3816insT, p.Lys1272Asnfs (NM_001406795.1, NM_001406802.1); c.3719_3720insT, p.Lys1240Asnfs (NM_001406796.1, NM_001406800.1, NM_001406808.1 and 1 more transcripts); c.3422_3423insT, p.Lys1141Asnfs (NM_001406797.1, NM_001406801.1, NM_001406805.1 and 10 more transcripts); c.3545_3546insT, p.Lys1182Asnfs (NM_001406798.1); c.3194_3195insT, p.Lys1065Asnfs (NM_001406799.1, NM_001406806.1, NM_001406807.1); c.2855_2856insT, p.Lys952Asnfs (NM_001406803.1); and 8 more; short protein forms K1110fs, K1240fs, K938fs.
Identifiers: ClinVar variation 1734258 (VCV001734258.2), dbSNP rs2530842733, ClinGen allele CA2580067300.